The following is an entry in ClinVar:

ClinVar aggregate classification (germline): Uncertain significance (1 of 4 stars; one submission).

Conditions:
Cardiovascular phenotype. Identifiers: MedGen CN230736.

Submission:

Ambry Genetics
Classification: Uncertain significance for Cardiovascular phenotype. Last evaluated: 2024-10-24. Review status: criteria provided, single submitter. Criteria: Ambry Variant Classification Scheme 2023. Collection method: clinical testing. Allele origin: germline.
Comment: The p.E236G variant (also known as c.707A>G), located in coding exon 2 of the SHOC2 gene, results from an A to G substitution at nucleotide position 707. The glutamic acid at codon 236 is replaced by glycine, an amino acid with similar properties. This amino acid position is conserved. In addition, the in silico prediction for this alteration is inconclusive. Based on the available evidence, the clinical significance of this variant remains unclear.

NM_007373.4(SHOC2):c.707A>G (p.Glu236Gly)

Gene: SHOC2 (SHOC2 leucine rich repeat scaffold protein; plus strand). Cytogenetic location: 10q25.2.
Variant type: single nucleotide variant.
Coding change: c.707A>G on transcript NM_007373.4 (MANE Select); coding-DNA position 707, A replaced by G.
Protein change: p.Glu236Gly; replaces glutamic acid 236 with glycine.
Molecular consequence: missense variant. On other transcripts: non-coding transcript variant (1), intron variant (1).
Genome position (GRCh38, 1-based): chr10:110,985,631, A>G. VCF-style: chr10-110985631-A-G. GRCh37 (hg19) VCF-style: chr10-112745389-A-G.
Other names: c.707A>G, p.Glu236Gly (NM_001324336.2, NM_001324337.2); c.704-14784A>G (NM_001269039.3); short protein forms E236G.
Identifiers: ClinVar variation 3441539 (VCV003441539.1).